The following is an entry in ClinVar:

ClinVar aggregate classification (germline): Uncertain significance (1 of 4 stars; one submission).

Conditions:
Hereditary cancer-predisposing syndrome. Also called: Neoplastic Syndromes, Hereditary; Hereditary neoplastic syndrome; Tumor predisposition; Hereditary Cancer Syndrome. Identifiers: Orphanet 140162, MedGen C0027672, MeSH D009386, MONDO:0015356.

gnomAD v4.1: 5 of 1,608,736 alleles (0.00031%); highest among the groups gnomAD compares: Non-Finnish European, 0.00042%; no homozygotes.

Submission:

Ambry Genetics
Classification: Uncertain significance for Hereditary cancer-predisposing syndrome. Last evaluated: 2026-02-15. Review status: criteria provided, single submitter. Criteria: Ambry Variant Classification Scheme 2023. Collection method: clinical testing. Allele origin: germline.
Comment: The p.T61A variant (also known as c.181A>G), located in coding exon 2 of the RAD50 gene, results from an A to G substitution at nucleotide position 181. The threonine at codon 61 is replaced by alanine, an amino acid with similar properties. This amino acid position is conserved. In addition, this alteration is predicted to be tolerated by in silico analysis. Based on the available evidence, the clinical significance of this variant remains unclear.

NM_005732.4(RAD50):c.181A>G (p.Thr61Ala)

Gene: RAD50 (RAD50 double strand break repair protein; plus strand). Cytogenetic location: 5q31.1.
Variant type: single nucleotide variant.
Coding change: c.181A>G on transcript NM_005732.4 (MANE Select); coding-DNA position 181, A replaced by G.
Protein change: p.Thr61Ala; replaces threonine 61 with alanine.
Molecular consequence: missense variant.
Genome position (GRCh38, 1-based): chr5:132,559,335, A>G. VCF-style: chr5-132559335-A-G. GRCh37 (hg19) VCF-style: chr5-131895027-A-G.
Other names: short protein forms T61A.
Identifiers: ClinVar variation 4824499 (VCV004824499.1).